The following is an entry in ClinVar:

ClinVar aggregate classification (germline): Likely pathogenic. Review status: criteria provided, single submitter (1 of 4 stars). 2 submissions from 2 submitters: Likely pathogenic (1). 1 of the submissions does not count toward it. Last evaluated 2025-07-21.

Conditions:
Marfan syndrome (MFS). Also called: Marfan syndrome type 1; Marfan syndrome, classic; Marfan's syndrome; FBN1-Related Marfan Syndrome; MARFAN SYNDROME, TYPE I. Identifiers: Orphanet 284963, Orphanet 558, MedGen C0024796, MONDO:0007947, OMIM 154700.

Submissions (2):

3billion
Classification: Likely pathogenic for Marfan syndrome. Last evaluated: 2025-07-21. Review status: criteria provided, single submitter. Criteria: ACMG Guidelines, 2015. Collection method: clinical testing. Allele origin: germline. Affected: yes.
Comment: The variant is not observed in the gnomAD v4.1.0 dataset. Predicted Consequence/Location: The variant is located in a mutational hot spot and/or well-established functional domain in which established pathogenic variants have been reported (N/A). In silico tool predictions suggest damaging effect of the variant on gene or gene product [REVEL: 0.93 (>=0.6, sensitivity 0.68 and specificity 0.92); 3Cnet: 0.23 (> 0.75, sensitivity 0.96 and precision 0.92)]. The same nucleotide change resulting in the same amino acid change has been previously reported to be associated with FBN1-related disorder (ClinVar ID: VCV000549002).Different missense changes at the same codon (p.Cys359Phe, p.Cys359Trp, p.Cys359Tyr) have been reported to be associated with FBN1-related disorder (ClinVar ID: VCV000549003, VCV001076563 /PMID: 15241795, 19293843). Therefore, this variant is classified as Likely pathogenic according to the recommendation of ACMG/AMP guideline.

Center for Medical Genetics Ghent, University of Ghent
Classification: Likely pathogenic for Marfan syndrome. Last evaluated: 2017-11-07. Review status: no assertion criteria provided. Collection method: clinical testing. Allele origin: germline. Affected: yes. Not counted in ClinVar's aggregate classification.

Literature cited by the submitters: PubMed 15241795 (cited by 3billion).

NM_000138.5(FBN1):c.1075T>C (p.Cys359Arg)

Genes: FBN1 (fibrillin 1; minus strand), LOC113939944 (Sharpr-MPRA regulatory region 9539; plus strand). Cytogenetic location: 15q21.1.
Variant type: single nucleotide variant.
Coding change: c.1075T>C on transcript NM_000138.5 (MANE Select); coding-DNA position 1075, T replaced by C.
Protein change: p.Cys359Arg; replaces cysteine 359 with arginine.
Molecular consequence: missense variant.
Genome position (GRCh38, 1-based): chr15:48,520,731, A>G on the plus strand (T>C on the coding strand, the complement: FBN1 is on the minus strand). VCF-style: chr15-48520731-A-G. GRCh37 (hg19) VCF-style: chr15-48812928-A-G.
Other names: short protein forms C359R.
Identifiers: ClinVar variation 549002 (VCV000549002.2), dbSNP rs1555400604, ClinGen allele CA392347555.